The following is an entry in ClinVar:

NM_014363.6(SACS):c.2801C>T (p.Ser934Phe)

Gene: SACS (sacsin molecular chaperone; minus strand). Cytogenetic location: 13q12.12.
Variant type: single nucleotide variant.
Coding change: c.2801C>T on transcript NM_014363.6 (MANE Select); coding-DNA position 2801, C replaced by T.
Protein change: p.Ser934Phe; replaces serine 934 with phenylalanine.
Molecular consequence: missense variant.
Genome position (GRCh38, 1-based): chr13:23,341,075, G>A on the plus strand (C>T on the coding strand, the complement: SACS is on the minus strand). VCF-style: chr13-23341075-G-A. GRCh37 (hg19) VCF-style: chr13-23915214-G-A.
Other names: c.2360C>T, p.Ser787Phe (NM_001278055.2); short protein forms S934F, S787F.
Identifiers: ClinVar variation 2077137 (VCV002077137.1), dbSNP rs771486829, ClinGen allele CA6911619.

ClinVar aggregate classification (germline): Uncertain significance (1 of 4 stars; one submission).

Conditions:
Spastic paraplegia. Identifiers: MedGen C0037772, HP:0001258.

Allele frequency attached by ClinVar (database versions not stated): gnomAD exomes below 0.00001; ExAC 0.00001.
gnomAD v4.1: 2 of 1,614,078 alleles (0.00012%); highest among the groups gnomAD compares: Non-Finnish European, 0.000085%; no homozygotes.

Submission:

Labcorp Genetics (formerly Invitae), Labcorp
Classification: Uncertain significance for Spastic paraplegia. Last evaluated: 2021-12-28. Review status: criteria provided, single submitter. Criteria: Invitae Variant Classification Sherloc (09022015). Collection method: clinical testing. Allele origin: germline.
Comment: This sequence change replaces serine, which is neutral and polar, with phenylalanine, which is neutral and non-polar, at codon 934 of the SACS protein (p.Ser934Phe). This variant is present in population databases (rs771486829, gnomAD 0.0009%). This variant has not been reported in the literature in individuals affected with SACS-related conditions. Advanced modeling of protein sequence and biophysical properties (such as structural, functional, and spatial information, amino acid conservation, physicochemical variation, residue mobility, and thermodynamic stability) performed at Invitae indicates that this missense variant is not expected to disrupt SACS protein function. In summary, the available evidence is currently insufficient to determine the role of this variant in disease. Therefore, it has been classified as a Variant of Uncertain Significance.